The following is an entry in ClinVar:

NM_001127208.3(TET2):c.1534C>T (p.Leu512Phe)

Genes: TET2 (tet methylcytosine dioxygenase 2; plus strand), TET2-AS1 (TET2 antisense RNA 1; minus strand). Cytogenetic location: 4q24.
Variant type: single nucleotide variant.
Coding change: c.1534C>T on transcript NM_001127208.3 (MANE Select); coding-DNA position 1534, C replaced by T.
Protein change: p.Leu512Phe; replaces leucine 512 with phenylalanine.
Molecular consequence: missense variant.
Genome position (GRCh38, 1-based): chr4:105,235,476, C>T. VCF-style: chr4-105235476-C-T. GRCh37 (hg19) VCF-style: chr4-106156633-C-T.
Other names: c.1534C>T, p.Leu512Phe (NM_017628.4); short protein forms L512F.
Identifiers: ClinVar variation 4594218 (VCV004594218.1).

ClinVar aggregate classification (germline): Uncertain significance (1 of 4 stars; one submission).

gnomAD v4.1: 1 of 1,614,094 alleles (0.000062%); highest among the groups gnomAD compares: Non-Finnish European, 0.000085%; no homozygotes.

Submission:

Ambry Genetics
Classification: Uncertain significance. Last evaluated: 2025-11-25. Review status: criteria provided, single submitter. Criteria: Ambry Variant Classification Scheme 2023. Collection method: clinical testing. Allele origin: germline.
Comment: The p.L512F variant (also known as c.1534C>T), located in coding exon 1 of the TET2 gene, results from a C to T substitution at nucleotide position 1534. The leucine at codon 512 is replaced by phenylalanine, an amino acid with highly similar properties. This amino acid position is conserved. In addition, this alteration is predicted to be tolerated by in silico analysis. Based on the available evidence, the clinical significance of this variant remains unclear.